The following is an entry in ClinVar:

ClinVar aggregate classification (germline): Likely pathogenic (1 of 4 stars; one submission).

Conditions:
Becker nevus syndrome (BNS). Identifiers: Orphanet 64755, MedGen C1858042, MONDO:0011500, OMIM 604919.

Submission:

Clinical Genomics Laboratory, Washington University in St. Louis
Classification: Likely pathogenic for Becker nevus syndrome. Last evaluated: 2025-06-30. Review status: criteria provided, single submitter. Criteria: Leon-Quintero et al. (Clin Genet. 2025). Collection method: clinical testing. Allele origin: somatic. Affected: yes.
Comment: An ACTB c.424_444dup (p.Leu142_Thr148dup) variant was identified at an allelic fraction consistent with somatic origin. This exact variant, to our knowledge, has not been reported in the medical literature. However, other insertion deletion variants in this hotspot region (c.435_437dup, p.Gly146dup and c.441_442insGGT p.Arg147_Thr148insG) have been identified in individuals with Becker nevus syndrome and are considered pathogenic (Lopez-Balboa P et al., PMID: 39577695). Somatic ACTB mutations associated with mosaic skin disorders and congenital smooth muscle hamartomas may present with linear hypertrichosis along Blaschko‚Äôs lines (Sil A et al., PMID: 35068543; Atzmony L et al, PMID: 32170967). This variant is absent from the general population (gnomAD v.4.1.0), indicating it is not a common variant. The ACTB c.424_444dup (p.Leu142_Thr148dup) variant is predicted to cause a change in the length of the protein due to an in-frame duplication of seven amino acids in a non-repeat region. Based on an internally developed protocol informed by the ACMG/AMP guidelines (Leon-Quintero FZ, et al., PMID: 39434542) and gene-specific practices from the ClinGen Criteria Specification Registry, the ACTB c.424_444dup (p.Leu142_Thr148dup) variant is classified as likely pathogenic.

NM_001101.5(ACTB):c.424_444dup (p.Thr148_Thr149insLeuTyrAlaSerGlyArgThr)

Gene: ACTB (actin beta; minus strand). Cytogenetic location: 7p22.1.
Variant type: Duplication.
Coding change: c.424_444dup on transcript NM_001101.5 (MANE Select); coding-DNA positions 424 to 444, 21 bases duplicated (CTGTACGCCTCTGGCCGTACC).
Protein change: p.Thr148_Thr149insLeuTyrAlaSerGlyArgThr.
Molecular consequence: inframe insertion.
Genome position (GRCh38, 1-based): chr7:5,528,639-5,528,659, GGTACGGCCAGAGGCGTACAG duplicated on the plus strand (CTGTACGCCTCTGGCCGTACC on the coding strand, the reverse complement: ACTB is on the minus strand); duplicating any 21 consecutive bases within chr7:5,528,639-5,528,661 gives the same sequence; the c. name uses the placement nearest the transcript's 3' end. VCF-style (leftmost placement, unchanged base first): chr7-5528638-T-TGGTACGGCCAGAGGCGTACAG. GRCh37 (hg19) VCF-style: chr7-5568269-T-TGGTACGGCCAGAGGCGTACAG.
Identifiers: ClinVar variation 4279985 (VCV004279985.1).